The following is an entry in ClinVar:

ClinVar aggregate classification (germline): Uncertain significance (1 of 4 stars; one submission).

Conditions:
Woodhouse-Sakati syndrome. Also called: EXTRAPYRAMIDAL DISORDER, PROGRESSIVE, WITH PRIMARY HYPOGONADISM, MENTAL RETARDATION, AND ALOPECIA; Hypogonadism, Alopecia, Diabetes Mellitus, Mental Retardation, and Extrapyramidal Syndrome; Hypogonadism, diabetes mellitus, alopecia, mental retardation and electrocardiographic abnormalities. Identifiers: Orphanet 3464, MedGen C0342286, MONDO:0009419, OMIM 241080.

Submission:

Labcorp Genetics (formerly Invitae), Labcorp
Classification: Uncertain significance for Woodhouse-Sakati syndrome. Last evaluated: 2023-02-22. Review status: criteria provided, single submitter. Criteria: Invitae Variant Classification Sherloc (09022015). Collection method: clinical testing. Allele origin: germline.
Comment: This sequence change replaces threonine, which is neutral and polar, with proline, which is neutral and non-polar, at codon 307 of the DCAF17 protein (p.Thr307Pro). This variant is not present in population databases (gnomAD no frequency). This variant has not been reported in the literature in individuals affected with DCAF17-related conditions. Advanced modeling of protein sequence and biophysical properties (such as structural, functional, and spatial information, amino acid conservation, physicochemical variation, residue mobility, and thermodynamic stability) performed at Invitae indicates that this missense variant is expected to disrupt DCAF17 protein function. In summary, the available evidence is currently insufficient to determine the role of this variant in disease. Therefore, it has been classified as a Variant of Uncertain Significance.

NM_025000.4(DCAF17):c.919A>C (p.Thr307Pro)

Gene: DCAF17 (DDB1 and CUL4 associated factor 17; plus strand). Cytogenetic location: 2q31.1.
Variant type: single nucleotide variant.
Coding change: c.919A>C on transcript NM_025000.4 (MANE Select); coding-DNA position 919, A replaced by C.
Protein change: p.Thr307Pro; replaces threonine 307 with proline.
Molecular consequence: missense variant. On other transcripts: non-coding transcript variant (1).
Genome position (GRCh38, 1-based): chr2:171,468,968, A>C. VCF-style: chr2-171468968-A-C. GRCh37 (hg19) VCF-style: chr2-172325478-A-C.
Other names: c.919A>C, p.Thr307Pro (NM_001164821.2); short protein forms T307P.
Identifiers: ClinVar variation 2839680 (VCV002839680.3), dbSNP rs1161320905, ClinGen allele CA349277906.